The following is an entry in ClinVar:

NM_001267550.2(TTN):c.48002_48006dup (p.Leu16003fs)

Genes: TTN (titin; minus strand), TTN-AS1 (TTN antisense RNA 1; plus strand). Cytogenetic location: 2q31.2.
Variant type: Duplication.
Coding change: c.48002_48006dup on transcript NM_001267550.2 (MANE Select); coding-DNA positions 48002 to 48006, 5 bases duplicated (AAGTA; older notation c.48002_48006dupAAGTA).
Protein change: p.Leu16003fs; shifts the reading frame from leucine 16003.
Molecular consequence: frameshift variant.
Genome position (GRCh38, 1-based): chr2:178,616,883-178,616,887, TACTT duplicated on the plus strand (AAGTA on the coding strand, the reverse complement: TTN is on the minus strand); duplicating any 5 consecutive bases within chr2:178,616,883-178,616,889 gives the same sequence; the c. name uses the placement nearest the transcript's 3' end. VCF-style (leftmost placement, unchanged base first): chr2-178616882-G-GTACTT. GRCh37 (hg19) VCF-style: chr2-179481609-G-GTACTT.
Other names: c.43079_43083dup, p.Leu14362fs (NM_001256850.1); c.20807_20811dup, p.Leu6938fs (NM_003319.4); c.40298_40302dup, p.Leu13435fs (NM_133378.4); c.21182_21186dup, p.Leu7063fs (NM_133432.3); c.21383_21387dup, p.Leu7130fs (NM_133437.4); short protein forms L16003fs, L13435fs, L7063fs, L7130fs, L14362fs, L6938fs.
Identifiers: ClinVar variation 1519946 (VCV001519946.8), dbSNP rs2154208302, ClinGen allele CA2573133802.
Genomic context (GRCh38, chr2:178,616,882, plus strand): 5'-AAATGACAAGTTCGGCATAGGCAGACAAGGTCTTCATTTTCACCCGGTCCCCTGTTTCTA[G>GTACTT]TACTTTATCTCCAAAACACCAGGTTGCAGTTGGCCTTGGATAGCCTGTACTTGGAACCAG-3'

ClinVar aggregate classification (germline): Likely pathogenic (1 of 4 stars; one submission).

Conditions:
Dilated cardiomyopathy 1G (CMD1G). Identifiers: Orphanet 154, MedGen C1858763, MONDO:0011400, OMIM 604145.
Autosomal recessive limb-girdle muscular dystrophy type 2J (LGMDR10). Also called: Limb-girdle muscular dystrophy, type 2J; MUSCULAR DYSTROPHY, LIMB-GIRDLE, AUTOSOMAL RECESSIVE 10. Identifiers: Orphanet 140922, MedGen C1837342, MONDO:0012127, OMIM 608807.

Submission:

Labcorp Genetics (formerly Invitae), Labcorp
Classification: Likely pathogenic for Dilated cardiomyopathy 1G; Autosomal recessive limb-girdle muscular dystrophy type 2J. Last evaluated: 2022-04-29. Review status: criteria provided, single submitter. Criteria: Invitae Variant Classification Sherloc (09022015). Collection method: clinical testing. Allele origin: germline.
Comment: In summary, the currently available evidence indicates that the variant is pathogenic, but additional data are needed to prove that conclusively. Therefore, this variant has been classified as Likely Pathogenic. This variant is located in the A band of TTN (PMID: 25589632). Truncating variants in this region are significantly overrepresented in patients affected with dilated cardiomyopathy (PMID: 25589632). Truncating variants in this region have also been reported in individuals affected with autosomal recessive centronuclear myopathy (PMID: 23975875). This variant has not been reported in the literature in individuals affected with TTN-related conditions. This variant is not present in population databases (gnomAD no frequency). This sequence change creates a premature translational stop signal (p.Leu16003Lysfs*3) in the TTN gene. While this is not anticipated to result in nonsense mediated decay, it is expected to create a truncated TTN protein.

Literature cited by the submitters: PubMed 25589632; PubMed 23975875.